The following is an entry in ClinVar:

ClinVar aggregate classification (germline): Uncertain significance. Review status: criteria provided, multiple submitters, no conflicts (2 of 4 stars). 2 submissions from 2 submitters: Uncertain significance (2). Last evaluated 2024-03-03.

Conditions:
Aortic aneurysm, familial thoracic 4 (AAT4). Also called: AORTIC ANEURYSM/AORTIC DISSECTION AND PATENT DUCTUS ARTERIOSUS. Identifiers: MedGen C1851504, MONDO:0007568, OMIM 132900.

Submissions (2):

GeneDx
Classification: Uncertain significance. Last evaluated: 2024-03-03. Review status: criteria provided, single submitter. Criteria: GeneDx Variant Classification Process June 2021. Collection method: clinical testing. Allele origin: germline. Affected: yes.
Comment: Not observed at significant frequency in large population cohorts (gnomAD); In silico analysis supports a deleterious effect on protein structure/function; Has not been previously published as pathogenic or benign to our knowledge

Labcorp Genetics (formerly Invitae), Labcorp
Classification: Uncertain significance for Aortic aneurysm, familial thoracic 4. Last evaluated: 2023-07-24. Review status: criteria provided, single submitter. Criteria: Invitae Variant Classification Sherloc (09022015). Collection method: clinical testing. Allele origin: germline.
Comment: This variant is present in population databases (no rsID available, gnomAD 0.0004%). In summary, the available evidence is currently insufficient to determine the role of this variant in disease. Therefore, it has been classified as a Variant of Uncertain Significance. An algorithm developed to predict the effect of missense changes on protein structure and function (PolyPhen-2) suggests that this variant is likely to be disruptive. This variant has not been reported in the literature in individuals affected with MYH11-related conditions. This sequence change replaces glutamic acid, which is acidic and polar, with leucine, which is neutral and non-polar, at codon 1098 of the MYH11 protein (p.Glu1098Leu).

NM_002474.3(MYH11):c.3271_3272delinsTT (p.Glu1091Leu)

Gene: MYH11 (myosin heavy chain 11; minus strand). Cytogenetic location: 16p13.11.
Variant type: Indel.
Coding change: c.3271_3272delinsTT on transcript NM_002474.3 (MANE Select); coding-DNA positions 3271 to 3272, GA replaced by TT.
Protein change: p.Glu1091Leu; replaces glutamic acid 1091 with leucine.
Molecular consequence: missense variant.
Genome position (GRCh38, 1-based): chr16:15,737,470-15,737,471, TC replaced by AA on the plus strand (GA replaced by TT on the coding strand, the reverse complement: MYH11 is on the minus strand). VCF-style: chr16-15737470-TC-AA. GRCh37 (hg19) VCF-style: chr16-15831327-TC-AA.
Other names: c.3292_3293delinsTT, p.Glu1098Leu (NM_001040113.2, NM_001040114.2); c.3271_3272delinsTT, p.Glu1091Leu (NM_022844.3); c.3271_3272delinsTT (NM_002474.2); short protein forms E1091L, E1098L.
Identifiers: ClinVar variation 2906106 (VCV002906106.4), dbSNP rs2506185298, ClinGen allele CA2739266635.
Genomic context (GRCh38, chr16:15,737,470, plus strand): 5'-CATGGACACACAGCAAATGCCCCTTGCCAGCCCCGCTACCTGGCCAGGGCCGCCTGCAGC[TC>AA]CTCCTCCTTCTTGGCCAGCTGCATCTTGAGCTCTGCGATCTGCGCCTGGAGGTCAGCGAT-3'
Protein context (NP_002465.1, residues 1081-1101): LKMQLAKKEE[Glu1091Leu]LQAALARLDD